The following is an entry in ClinVar:

NM_012193.4(FZD4):c.835A>G (p.Arg279Gly)

Genes: FZD4 (frizzled class receptor 4; minus strand), PRSS23 (serine protease 23; plus strand). Cytogenetic location: 11q14.2.
Variant type: single nucleotide variant.
Coding change: c.835A>G on transcript NM_012193.4 (MANE Select); coding-DNA position 835, A replaced by G.
Protein change: p.Arg279Gly; replaces arginine 279 with glycine.
Molecular consequence: missense variant. On other transcripts: non-coding transcript variant (2).
Genome position (GRCh38, 1-based): chr11:86,951,921, T>C on the plus strand (A>G on the coding strand, the complement: FZD4 is on the minus strand). VCF-style: chr11-86951921-T-C. GRCh37 (hg19) VCF-style: chr11-86662963-T-C.
Other names: short protein forms R279G.
Identifiers: ClinVar variation 1946361 (VCV001946361.5), dbSNP rs61754567, ClinGen allele CA225381153.

ClinVar aggregate classification (germline): Uncertain significance (1 of 4 stars; one submission).

Allele frequency attached by ClinVar (database versions not stated): gnomAD exomes 0.00001.
gnomAD v4.1: 10 of 1,613,844 alleles (0.00062%); highest among the groups gnomAD compares: Non-Finnish European, 0.00076%; no homozygotes.

Submission:

Labcorp Genetics (formerly Invitae), Labcorp
Classification: Uncertain significance. Last evaluated: 2025-12-16. Review status: criteria provided, single submitter. Criteria: Invitae Variant Classification Sherloc (09022015). Collection method: clinical testing. Allele origin: germline.
Comment: This sequence change replaces arginine, which is basic and polar, with glycine, which is neutral and non-polar, at codon 279 of the FZD4 protein (p.Arg279Gly). This variant is not present in population databases (gnomAD no frequency). This variant has not been reported in the literature in individuals affected with FZD4-related conditions. ClinVar contains an entry for this variant (Variation ID: 1946361). Invitae Evidence Modeling of protein sequence and biophysical properties (such as structural, functional, and spatial information, amino acid conservation, physicochemical variation, residue mobility, and thermodynamic stability) indicates that this missense variant is not expected to disrupt FZD4 protein function with a negative predictive value of 80%. In summary, the available evidence is currently insufficient to determine the role of this variant in disease. Therefore, it has been classified as a Variant of Uncertain Significance.